The following is an entry in ClinVar:

NM_054027.6(ANKH):c.139G>A (p.Glu47Lys)

Gene: ANKH (ANKH inorganic pyrophosphate transport regulator; minus strand). Cytogenetic location: 5p15.2.
Variant type: single nucleotide variant.
Coding change: c.139G>A on transcript NM_054027.6 (MANE Select); coding-DNA position 139, G replaced by A.
Protein change: p.Glu47Lys; replaces glutamic acid 47 with lysine.
Molecular consequence: missense variant.
Genome position (GRCh38, 1-based): chr5:14,769,149, C>T on the plus strand (G>A on the coding strand, the complement: ANKH is on the minus strand). VCF-style: chr5-14769149-C-T. GRCh37 (hg19) VCF-style: chr5-14769258-C-T.
Other names: short protein forms E47K.
Identifiers: ClinVar variation 1978861 (VCV001978861.6), dbSNP rs369168140, ClinGen allele CA3209196.

ClinVar aggregate classification (germline): Uncertain significance. Review status: criteria provided, multiple submitters, no conflicts (2 of 4 stars). 3 submissions from 3 submitters: Uncertain significance (3). Last evaluated 2025-10-01.

Conditions:
Inborn genetic diseases. Identifiers: MedGen C0950123, MeSH D030342.

Allele frequency attached by ClinVar (database versions not stated): gnomAD exomes 0.00002; TOPMed 0.00002; gnomAD 0.00003; ExAC 0.00004; ESP Exome Variant Server 0.00008.
gnomAD v4.1: 37 of 1,613,978 alleles (0.0023%); highest among the groups gnomAD compares: South Asian, 0.0088%; no homozygotes.

Submissions (3):

Labcorp Genetics (formerly Invitae), Labcorp
Classification: Uncertain significance. Last evaluated: 2025-10-01. Review status: criteria provided, single submitter. Criteria: Invitae Variant Classification Sherloc (09022015). Collection method: clinical testing. Allele origin: germline.
Comment: This sequence change replaces glutamic acid, which is acidic and polar, with lysine, which is basic and polar, at codon 47 of the ANKH protein (p.Glu47Lys). This variant is present in population databases (rs369168140, gnomAD 0.01%). This variant has not been reported in the literature in individuals affected with ANKH-related conditions. ClinVar contains an entry for this variant (Variation ID: 1978861). Invitae Evidence Modeling of protein sequence and biophysical properties (such as structural, functional, and spatial information, amino acid conservation, physicochemical variation, residue mobility, and thermodynamic stability) has been performed for this missense variant. However, the output from this modeling did not meet the statistical confidence thresholds required to predict the impact of this variant on ANKH protein function. In summary, the available evidence is currently insufficient to determine the role of this variant in disease. Therefore, it has been classified as a Variant of Uncertain Significance.

GeneDx
Classification: Uncertain significance. Last evaluated: 2024-04-18. Review status: criteria provided, single submitter. Criteria: GeneDx Variant Classification Process June 2021. Collection method: clinical testing. Allele origin: germline. Affected: yes.
Comment: In silico analysis indicates that this missense variant does not alter protein structure/function; Has not been previously published as pathogenic or benign to our knowledge

Ambry Genetics
Classification: Uncertain significance for Inborn genetic diseases. Last evaluated: 2024-01-02. Review status: criteria provided, single submitter. Criteria: Ambry Variant Classification Scheme 2023. Collection method: clinical testing. Allele origin: germline.